The following is an entry in ClinVar:

GRCh37/hg19 7q21.2-22.1(chr7:92721627-98311537)x1

Genes: ASB4 (ankyrin repeat and SOCS box containing 4; plus strand), ASNS (asparagine synthetase (glutamine-hydrolyzing); minus strand), BAIAP2L1 (BAR/IMD domain containing adaptor protein 2 like 1; minus strand), BET1 (Bet1 golgi vesicular membrane trafficking protein; minus strand), BHLHA15 (basic helix-loop-helix family member a15; plus strand) and 31 more. Cytogenetic location: 7q21.2-22.1.
Variant type: copy number loss.
Change: copy number 1 (one copy instead of two) of chr7:92,721,627-98,311,537 (5.59 Mb, GRCh37 coordinates, 1-based), cytogenetic band 7q21.2-22.1.
Identifiers: ClinVar variation 1808653 (VCV001808653.1).

ClinVar aggregate classification (germline): Pathogenic (1 of 4 stars; one submission).

Submission:

Quest Diagnostics Nichols Institute San Juan Capistrano
Classification: Pathogenic. Last evaluated: 2022-01-24. Review status: criteria provided, single submitter. Criteria: ACMG/ClinGen CNV Guidelines, 2019. Collection method: clinical testing. Allele origin: unknown.
Comment: Deletions of this region have been reported in multiple patients with a variable phenotype including split hand foot malformation (SHFM), hearing loss, intellectual disability of variable degree, and significant craniofacial abnormalities. Several candidate genes have been proposed including: DYNC1I1 and PPP1R9A (Ramos-Zaldivar et al. J Med Case Rep. 2016 Jun 13;10(1):156. PMID:27291887; Delgado et al. Mol Cytogenet. 2015 Jun 13;8:37. PMID:26075025; Tayebi et al. Orphanet J Rare Dis. 2014 Jul 29;9:108. PMID:25231166; Rattanasopha et al. J Med Genet. 2014 Dec;51(12):817-23. PMID: 25332435). Some cases of split-hand/foot malformation-1 (SHFM1, OMIM 183600) represent a contiguous gene syndrome caused by deletion, duplication, or rearrangement of chromosome 7q21.3 involving the DSS1 (601285), DLX5 (600028), and DLX6 (600030) genes and possible regulatory elements in the region. Evidence exists that SHFM1 can also be caused by heterozygous mutation in the DLX5 gene. SHFM is a limb malformation involving the central rays of the autopod and presenting with syndactyly, median clefts of the hands and feet, and aplasia and/or hypoplasia of the phalanges, metacarpals, and metatarsals. Some patients with SHFM type 1 have been found to have intellectual disability, ectodermal and craniofacial findings, orofacial clefting, and hearing loss. Van Silfhout et al. reported three patients with SHFM1; two patients had a deletion and the third had an inversion, all involving chromosome 7q21q22. The authors concluded that the SHFM1 phenotype is most likely due to the simultaneously reduced expression of DLX5 and DLX6 (van Silfhout et al., Eur J Hum Genet. 2009 Nov;17(11):1432-8. PMID: 19401716). The copy number loss also involves SGCE; haploinsufficiency of which causes autosomal dominan tMyoclonus-dystonia (OMIM 159900). This is a movement disorderwhich onsets in childhood or adolescence and most often affects the neck, trunk, and upper limbs with less common involvement of the legs. Symptoms usually plateau in adulthood. In general, imprinting plays a role in this disorder given maternally derived SGCE alleles are not expressed and paternally derived SGCE alleles are expressed. Thus, almost all children who inherit an SGCE pathogenic variant from their fathers develop symptoms, whereas close to 95% of children who inherit an SGCE pathogenic variant from their mother do not (Raymond D. GeneReviews. [updated 2012 Jan 26]. PMID: 20301587). Additionally, patients with contiguous gene deletions that encompass SGCE and other genes may have additional clinical issues such as short stature, joint laxity and microcephaly (Peall et al. J Neurol. 2014 Dec;261(12):2296-304. PMID: 25209853).